The following is an entry in ClinVar:

ClinVar aggregate classification (germline): Uncertain significance (1 of 4 stars; one submission).

gnomAD v4.1: 8 of 1,614,184 alleles (0.0005%); highest among the groups gnomAD compares: South Asian, 0.0066%; no homozygotes.

Submission:

GeneDx
Classification: Uncertain significance. Last evaluated: 2025-01-02. Review status: criteria provided, single submitter. Criteria: GeneDx Variant Classification Process June 2021. Collection method: clinical testing. Allele origin: germline. Affected: yes.
Comment: In silico analysis indicates that this missense variant does not alter protein structure/function; Has not been previously published as pathogenic or benign to our knowledge

NM_001374828.1(ARID1B):c.6827A>G (p.Lys2276Arg)

Gene: ARID1B (AT-rich interaction domain 1B; plus strand). Cytogenetic location: 6q25.3.
Variant type: single nucleotide variant.
Coding change: c.6827A>G on transcript NM_001374828.1 (MANE Select); coding-DNA position 6827, A replaced by G.
Protein change: p.Lys2276Arg; replaces lysine 2276 with arginine.
Molecular consequence: missense variant.
Genome position (GRCh38, 1-based): chr6:157,207,599, A>G. VCF-style: chr6-157207599-A-G. GRCh37 (hg19) VCF-style: chr6-157528733-A-G.
Other names: c.4328A>G, p.Lys1443Arg (NM_001363725.2); c.6707A>G, p.Lys2236Arg (NM_001371656.1, NM_001374820.1); c.6668A>G, p.Lys2223Arg (NM_017519.3); c.6458A>G (NM_020732.3); short protein forms K1443R, K2223R, K2236R, K2276R.
Identifiers: ClinVar variation 4055967 (VCV004055967.1).